The following is an entry in ClinVar:

ClinVar aggregate classification (germline): Conflicting classifications of pathogenicity. Review status: criteria provided, conflicting classifications (1 of 4 stars). 3 submissions from 3 submitters: Uncertain significance (1); Likely benign (2). Last evaluated 2025-09-01.

Conditions:
Gray platelet syndrome (GPS). Also called: BLEEDING DISORDER, PLATELET-TYPE, 4. Identifiers: Orphanet 721, MedGen C0272302, MONDO:0007686, OMIM 139090.

Allele frequency attached by ClinVar (database versions not stated): gnomAD 0.00009; TOPMed 0.00010; gnomAD exomes 0.00013; ExAC 0.00014; ESP Exome Variant Server 0.00024.
gnomAD v4.1: 219 of 1,567,590 alleles (0.014%); highest among the groups gnomAD compares: Non-Finnish European, 0.019%; no homozygotes.

Submissions (3):

CeGaT Center for Human Genetics Tuebingen
Classification: Likely benign. Last evaluated: 2025-09-01. Review status: criteria provided, single submitter. Criteria: CeGaT Center For Human Genetics Tuebingen Variant Classification Criteria Version 2. Collection method: clinical testing. Allele origin: germline. Affected: yes. Observed: 2 variant alleles.
Comment: NBEAL2: BP4, BP7

Blueprint Genetics
Classification: Likely benign. Last evaluated: 2024-04-08. Review status: criteria provided, single submitter. Criteria: ACMG Guidelines, 2015. Collection method: clinical testing. Allele origin: germline.

Illumina Laboratory Services, Illumina
Classification: Uncertain significance for Gray platelet syndrome. Last evaluated: 2018-01-13. Review status: criteria provided, single submitter. Criteria: ICSL Variant Classification Criteria 13 December 2019. Collection method: clinical testing. Allele origin: germline.

NM_015175.3(NBEAL2):c.3291G>A (p.Ala1097=)

Gene: NBEAL2 (neurobeachin like 2; plus strand). Cytogenetic location: 3p21.31.
Variant type: single nucleotide variant.
Coding change: c.3291G>A on transcript NM_015175.3 (MANE Select); coding-DNA position 3291, G replaced by A.
Protein change: p.Ala1097=; no amino-acid change (alanine 1097 retained).
Molecular consequence: synonymous variant.
Genome position (GRCh38, 1-based): chr3:46,998,786, G>A. VCF-style: chr3-46998786-G-A. GRCh37 (hg19) VCF-style: chr3-47040276-G-A.
Other names: c.3189G>A, p.Ala1063= (NM_001365116.2).
Identifiers: ClinVar variation 903399 (VCV000903399.29), dbSNP rs369931526, ClinGen allele CA2360902.